The following is an entry in ClinVar:

NM_138691.3(TMC1):c.772G>A (p.Gly258Ser)

Gene: TMC1 (transmembrane channel like 1; plus strand). Cytogenetic location: 9q21.13.
Variant type: single nucleotide variant.
Coding change: c.772G>A on transcript NM_138691.3 (MANE Select); coding-DNA position 772, G replaced by A.
Protein change: p.Gly258Ser; replaces glycine 258 with serine.
Molecular consequence: missense variant.
Genome position (GRCh38, 1-based): chr9:72,772,443, G>A. VCF-style: chr9-72772443-G-A. GRCh37 (hg19) VCF-style: chr9-75387359-G-A.
Other names: short protein forms G258S.
Identifiers: ClinVar variation 3601916 (VCV003601916.1).
Genomic context (GRCh38, chr9:72,772,443, plus strand): 5'-CTGCTAAGTGGCTTTGTTGTTGGATTTCAGGGTTTGGCACAATATTCCGTTCTCTTTTAT[G>A]GCTATTATGACAATAAACGAACAATTGGATGGATGAATTTCAGGTTGCCGCTCTCCTATT-3'
Protein context (NP_619636.2, residues 248-268): GLAQYSVLFY[Gly258Ser]YYDNKRTIGW

ClinVar aggregate classification (germline): Likely pathogenic (1 of 4 stars; one submission).

Conditions:
Autosomal recessive nonsyndromic hearing loss 7. Also called: DEAFNESS, AUTOSOMAL RECESSIVE 11. Identifiers: Orphanet 90636, MedGen C1832978, MONDO:0010967, OMIM 600974.

gnomAD v4.1: 1 of 1,613,838 alleles (0.000062%); highest among the groups gnomAD compares: South Asian, 0.0011%; no homozygotes.

Submission:

Institute of Rare Diseases, West China Hospital, Sichuan University
Classification: Likely pathogenic for Autosomal recessive nonsyndromic hearing loss 7. Last evaluated: 2025-01-09. Review status: criteria provided, single submitter. Criteria: ClinGen HL ACMG Specifications v1. Collection method: research. Allele origin: germline. Affected: yes.
Comment: PM3;PM5;PM2_Supporting;PP3